The following is an entry in ClinVar:

ClinVar aggregate classification (germline): Uncertain significance. Review status: criteria provided, multiple submitters, no conflicts (2 of 4 stars). 4 submissions from 4 submitters: Uncertain significance (4). Last evaluated 2025-10-17.

Conditions:
Hereditary cancer-predisposing syndrome. Also called: Neoplastic Syndromes, Hereditary; Tumor predisposition; Hereditary Cancer Syndrome; Hereditary neoplastic syndrome. Identifiers: Orphanet 140162, MedGen C0027672, MeSH D009386, MONDO:0015356.
Colorectal cancer, susceptibility to, 12 (CRCS12). Also called: COLORECTAL CANCER, SUSCEPTIBILITY TO, ON CHROMOSOME 12q24. Identifiers: Orphanet 220460, MedGen C3554460, MONDO:0014038, OMIM 615083.

Allele frequency attached by ClinVar (database versions not stated): gnomAD 0.00001.
gnomAD v4.1: 1 of 1,613,110 alleles (0.000062%); highest among the groups gnomAD compares: Non-Finnish European, 0.000085%; no homozygotes.

Submissions (4):

Ambry Genetics
Classification: Uncertain significance for Hereditary cancer-predisposing syndrome. Last evaluated: 2025-10-17. Review status: criteria provided, single submitter. Criteria: Ambry Variant Classification Scheme 2023. Collection method: clinical testing. Allele origin: germline.
Comment: The p.K325R variant (also known as c.974A>G), located in coding exon 10 of the POLE gene, results from an A to G substitution at nucleotide position 974. The lysine at codon 325 is replaced by arginine, an amino acid with highly similar properties. This amino acid position is conserved. In addition, this alteration is predicted to be tolerated by in silico analysis. Since supporting evidence is limited at this time, the clinical significance of this alteration remains unclear.

Labcorp Genetics (formerly Invitae), Labcorp
Classification: Uncertain significance. Last evaluated: 2025-09-14. Review status: criteria provided, single submitter. Criteria: Invitae Variant Classification Sherloc (09022015). Collection method: clinical testing. Allele origin: germline.
Comment: This sequence change replaces lysine, which is basic and polar, with arginine, which is basic and polar, at codon 325 of the POLE protein (p.Lys325Arg). This variant is not present in population databases (gnomAD no frequency). This variant has not been reported in the literature in individuals affected with POLE-related conditions. ClinVar contains an entry for this variant (Variation ID: 473846). Invitae Evidence Modeling of protein sequence and biophysical properties (such as structural, functional, and spatial information, amino acid conservation, physicochemical variation, residue mobility, and thermodynamic stability) indicates that this missense variant is not expected to disrupt POLE protein function with a negative predictive value of 80%. In summary, the available evidence is currently insufficient to determine the role of this variant in disease. Therefore, it has been classified as a Variant of Uncertain Significance.

Center for Genomic Medicine, Rigshospitalet, Copenhagen University Hospital
Classification: Uncertain significance. Last evaluated: 2025-03-04. Review status: criteria provided, single submitter. Criteria: ACMG Guidelines, 2015. Collection method: clinical testing. Allele origin: germline.

Baylor Genetics
Classification: Uncertain significance for Colorectal cancer, susceptibility to, 12. Last evaluated: 2023-07-27. Review status: criteria provided, single submitter. Criteria: ACMG Guidelines, 2015. Collection method: clinical testing. Allele origin: unknown.

NM_006231.4(POLE):c.974A>G (p.Lys325Arg)

Gene: POLE (DNA polymerase epsilon, catalytic subunit; minus strand). Cytogenetic location: 12q24.33.
Variant type: single nucleotide variant.
Coding change: c.974A>G on transcript NM_006231.4 (MANE Select); coding-DNA position 974, A replaced by G.
Protein change: p.Lys325Arg; replaces lysine 325 with arginine.
Molecular consequence: missense variant.
Genome position (GRCh38, 1-based): chr12:132,676,140, T>C on the plus strand (A>G on the coding strand, the complement: POLE is on the minus strand). VCF-style: chr12-132676140-T-C. GRCh37 (hg19) VCF-style: chr12-133252726-T-C.
Other names: c.974A>G (NM_006231.2); short protein forms K325R.
Identifiers: ClinVar variation 473846 (VCV000473846.14), dbSNP rs1555229291, ClinGen allele CA387363676.